The following is an entry in ClinVar:

ClinVar aggregate classification (germline): Conflicting classifications of pathogenicity. Review status: criteria provided, conflicting classifications (1 of 4 stars). 5 submissions from 5 submitters: Uncertain significance (4); Likely benign (1). Last evaluated 2024-05-01.

Conditions:
Inborn genetic diseases. Identifiers: MedGen C0950123, MeSH D030342.
Striatonigral degeneration, childhood-onset (SNDC). Also called: LENK-PLOSKI SYNDROME. Identifiers: Orphanet 497906, MedGen C4310743, MONDO:0014889, OMIM 617054.

Allele frequency attached by ClinVar (database versions not stated): ExAC 0.00064; gnomAD 0.00064 and 0.00066; gnomAD exomes 0.00066; TOPMed 0.00076; ESP Exome Variant Server 0.00115.
gnomAD v4.1: 1,759 of 1,614,068 alleles (0.11%); highest among the groups gnomAD compares: Non-Finnish European, 0.14%; 2 homozygotes.

Submissions (5):

CeGaT Center for Human Genetics Tuebingen
Classification: Uncertain significance. Last evaluated: 2024-05-01. Review status: criteria provided, single submitter. Criteria: CeGaT Center For Human Genetics Tuebingen Variant Classification Criteria Version 2. Collection method: clinical testing. Allele origin: germline. Affected: yes. Observed: 2 variant alleles.
Comment: VAC14: PM2

Labcorp Genetics (formerly Invitae), Labcorp
Classification: Uncertain significance. Last evaluated: 2022-10-13. Review status: criteria provided, single submitter. Criteria: Invitae Variant Classification Sherloc (09022015). Collection method: clinical testing. Allele origin: germline.
Comment: This sequence change replaces arginine, which is basic and polar, with tryptophan, which is neutral and slightly polar, at codon 575 of the VAC14 protein (p.Arg575Trp). This variant is present in population databases (rs145938865, gnomAD 0.1%), and has an allele count higher than expected for a pathogenic variant. This variant has not been reported in the literature in individuals affected with VAC14-related conditions. ClinVar contains an entry for this variant (Variation ID: 1032018). Advanced modeling of protein sequence and biophysical properties (such as structural, functional, and spatial information, amino acid conservation, physicochemical variation, residue mobility, and thermodynamic stability) performed at Invitae indicates that this missense variant is not expected to disrupt VAC14 protein function. In summary, the available evidence is currently insufficient to determine the role of this variant in disease. Therefore, it has been classified as a Variant of Uncertain Significance.

Ambry Genetics
Classification: Likely benign for Inborn genetic diseases. Last evaluated: 2022-02-14. Review status: criteria provided, single submitter. Criteria: Ambry Variant Classification Scheme 2023. Collection method: clinical testing. Allele origin: germline.

Baylor Genetics
Classification: Uncertain significance for Striatonigral degeneration, childhood-onset. Last evaluated: 2018-11-08. Review status: criteria provided, single submitter. Criteria: ACMG Guidelines, 2015. Collection method: clinical testing. Allele origin: paternal. Affected: yes.
Comment: This variant was determined to be of uncertain significance according to ACMG Guidelines, 2015 [PMID:25741868].

Breakthrough Genomics
Classification: Uncertain significance. Review status: criteria provided, single submitter. Criteria: ACMG Guidelines, 2015. Collection method: not provided. Allele origin: germline. Inheritance: Autosomal recessive inheritance. Affected: yes.

NM_018052.5(VAC14):c.1723C>T (p.Arg575Trp)

Gene: VAC14 (VAC14 component of PIKFYVE complex; minus strand). Cytogenetic location: 16q22.1.
Variant type: single nucleotide variant.
Coding change: c.1723C>T on transcript NM_018052.5 (MANE Select); coding-DNA position 1723, C replaced by T.
Protein change: p.Arg575Trp; replaces arginine 575 with tryptophan.
Molecular consequence: missense variant.
Genome position (GRCh38, 1-based): chr16:70,698,750, G>A on the plus strand (C>T on the coding strand, the complement: VAC14 is on the minus strand). VCF-style: chr16-70698750-G-A. GRCh37 (hg19) VCF-style: chr16-70732653-G-A.
Other names: c.1021C>T, p.Arg341Trp (NM_001351157.2); short protein forms R575W, R341W.
Identifiers: ClinVar variation 1032018 (VCV001032018.38), dbSNP rs145938865, ClinGen allele CA8147536.